The following is an entry in ClinVar:

NM_021971.4(GMPPB):c.62C>A (p.Thr21Asn)

Gene: GMPPB (GDP-mannose pyrophosphorylase B; minus strand). Cytogenetic location: 3p21.31.
Variant type: single nucleotide variant.
Coding change: c.62C>A on transcript NM_021971.4 (MANE Select); coding-DNA position 62, C replaced by A.
Protein change: p.Thr21Asn; replaces threonine 21 with asparagine.
Molecular consequence: missense variant.
Genome position (GRCh38, 1-based): chr3:49,723,665, G>T on the plus strand (C>A on the coding strand, the complement: GMPPB is on the minus strand). VCF-style: chr3-49723665-G-T. GRCh37 (hg19) VCF-style: chr3-49761098-G-T.
Other names: c.62C>A, p.Thr21Asn (NM_013334.4); short protein forms T21N.
Identifiers: ClinVar variation 574966 (VCV000574966.8), dbSNP rs1438380704, ClinGen allele CA352831713.

ClinVar aggregate classification (germline): Uncertain significance (1 of 4 stars; one submission).

Conditions:
Muscular dystrophy-dystroglycanopathy (congenital with brain and eye anomalies), type A14. Also called: Congenital Muscular Dystrophy-Dystroglycanopathy with Brain and Eye Anomalies Type A 14; Congenital muscular dystrophy-dystroglycanopathy with brain and eye anomalies, type A14; Muscular dystrophy-dystroglycanopathy (congenital with brain and eye anomalies), type a, 14; WALKER-WARBURG SYNDROME OR MUSCLE-EYE-BRAIN DISEASE, GMPPB-RELATED. Identifiers: Orphanet 588, MedGen C3809216, MONDO:0014140, OMIM 615350.
Muscular dystrophy-dystroglycanopathy (congenital with impaired intellectual development), type B, 14. Also called: Congenital muscular dystrophy-dystroglycanopathy with mental retardation, type B14; MUSCULAR DYSTROPHY, CONGENITAL, GMPPB-RELATED; Muscular dystrophy-dystroglycanopathy (congenital with intellectual disability), type B14. Identifiers: MedGen C3809221, MONDO:0014141, OMIM 615351.
Autosomal recessive limb-girdle muscular dystrophy type 2T. Also called: Limb-girdle muscular dystrophy-dystroglycanopathy, type C14; Muscular dystrophy-dystroglycanopathy (limb-girdle), type c, 14; MUSCULAR DYSTROPHY-DYSTROGLYCANOPATHY, LIMB-GIRDLE, GMPPB-RELATED; MUSCULAR DYSTROPHY, LIMB-GIRDLE, TYPE 2T. Identifiers: Orphanet 363623, MedGen C4518000, MONDO:0014142, OMIM 615352.

Allele frequency attached by ClinVar (database versions not stated): TOPMed below 0.00001.

Submission:

Labcorp Genetics (formerly Invitae), Labcorp
Classification: Uncertain significance for Autosomal recessive limb-girdle muscular dystrophy type 2T; Muscular dystrophy-dystroglycanopathy (congenital with brain and eye anomalies), type A14; Muscular dystrophy-dystroglycanopathy (congenital with impaired intellectual development), type B, 14. Last evaluated: 2022-01-06. Review status: criteria provided, single submitter. Criteria: Invitae Variant Classification Sherloc (09022015). Collection method: clinical testing. Allele origin: germline.
Comment: In summary, the available evidence is currently insufficient to determine the role of this variant in disease. Therefore, it has been classified as a Variant of Uncertain Significance. Algorithms developed to predict the effect of missense changes on protein structure and function are either unavailable or do not agree on the potential impact of this missense change (SIFT: "Deleterious"; PolyPhen-2: "Benign"; Align-GVGD: "Class C0"). ClinVar contains an entry for this variant (Variation ID: 574966). This missense change has been observed in individual(s) with clinical features of GMPPB-related conditions (Invitae). This variant is not present in population databases (gnomAD no frequency). This sequence change replaces threonine, which is neutral and polar, with asparagine, which is neutral and polar, at codon 21 of the GMPPB protein (p.Thr21Asn).